The following is an entry in ClinVar:

NM_005751.5(AKAP9):c.2641A>G (p.Ser881Gly)

Gene: AKAP9 (A-kinase anchoring protein 9; plus strand). Cytogenetic location: 7q21.2.
Variant type: single nucleotide variant.
Coding change: c.2641A>G on transcript NM_005751.5 (MANE Select); coding-DNA position 2641, A replaced by G.
Protein change: p.Ser881Gly; replaces serine 881 with glycine.
Molecular consequence: missense variant.
Genome position (GRCh38, 1-based): chr7:92,002,558, A>G. VCF-style: chr7-92002558-A-G. GRCh37 (hg19) VCF-style: chr7-91631872-A-G.
Other names: c.2641A>G, p.Ser881Gly (NM_147185.3); short protein forms S881G.
Identifiers: ClinVar variation 4869036 (VCV004869036.1).

ClinVar aggregate classification (germline): Uncertain significance (1 of 4 stars; one submission).

Conditions:
Cardiovascular phenotype. Identifiers: MedGen CN230736.

Submission:

Ambry Genetics
Classification: Uncertain significance for Cardiovascular phenotype. Last evaluated: 2026-05-03. Review status: criteria provided, single submitter. Criteria: Ambry Variant Classification Scheme 2023. Collection method: clinical testing. Allele origin: germline.
Comment: The p.S881G variant (also known as c.2641A>G), located in coding exon 8 of the AKAP9 gene, results from an A to G substitution at nucleotide position 2641. The serine at codon 881 is replaced by glycine, an amino acid with similar properties. This amino acid position is conserved. In addition, this alteration is predicted to be tolerated by in silico analysis. Based on the available evidence, the clinical significance of this variant remains unclear.